The following is an entry in ClinVar:

ClinVar aggregate classification (germline): Uncertain significance (1 of 4 stars; one submission).

Submission:

Labcorp Genetics (formerly Invitae), Labcorp
Classification: Uncertain significance. Last evaluated: 2024-10-16. Review status: criteria provided, single submitter. Criteria: Invitae Variant Classification Sherloc (09022015). Collection method: clinical testing. Allele origin: germline.
Comment: This sequence change replaces alanine, which is neutral and non-polar, with valine, which is neutral and non-polar, at codon 142 of the STUB1 protein (p.Ala142Val). This variant is not present in population databases (gnomAD no frequency). This variant has not been reported in the literature in individuals affected with STUB1-related conditions. Invitae Evidence Modeling of protein sequence and biophysical properties (such as structural, functional, and spatial information, amino acid conservation, physicochemical variation, residue mobility, and thermodynamic stability) indicates that this missense variant is not expected to disrupt STUB1 protein function with a negative predictive value of 80%. In summary, the available evidence is currently insufficient to determine the role of this variant in disease. Therefore, it has been classified as a Variant of Uncertain Significance.

NM_005861.4(STUB1):c.425C>T (p.Ala142Val)

Gene: STUB1 (STIP1 homology and U-box containing protein 1; plus strand). Cytogenetic location: 16p13.3.
Variant type: single nucleotide variant.
Coding change: c.425C>T on transcript NM_005861.4 (MANE Select); coding-DNA position 425, C replaced by T.
Protein change: p.Ala142Val; replaces alanine 142 with valine.
Molecular consequence: missense variant.
Genome position (GRCh38, 1-based): chr16:681,504, C>T. VCF-style: chr16-681504-C-T. GRCh37 (hg19) VCF-style: chr16-731504-C-T.
Other names: c.209C>T, p.Ala70Val (NM_001293197.2); short protein forms A70V, A142V.
Identifiers: ClinVar variation 2962135 (VCV002962135.3), dbSNP rs2543805295, ClinGen allele CA394112171.